The following is an entry in ClinVar:

ClinVar aggregate classification (germline): Likely pathogenic (3 of 4 stars; one submission).

Conditions:
Monogenic diabetes. Identifiers: Orphanet 183625, MedGen C3888631, MONDO:0015967.

Submission:

ClinGen Monogenic Diabetes Variant Curation Expert Panel
Classification: Likely pathogenic for Monogenic diabetes. Last evaluated: 2025-04-11. Review status: reviewed by expert panel. Criteria: ClinGen Diabetes ACMG Specifications HNF1A V2.1.0. Collection method: curation. Allele origin: germline. Inheritance: Autosomal dominant inheritance.
Comment: The c.217G>T variant in the HNF1 homeobox A gene, HNF1A, results in a premature termination at codon 73 (p.(Glu73Ter)) of NM_000545.8. This variant, located in biologically-relevant exon 1 of 10, is predicted to lead to nonsense mediated decay in a gene in which loss-of-function is an established disease mechanism (PVS1; PMID: 23348805). Additionally, this variant is absent from gnomAD v2.1.1 and v4.1 (PM2_Supporting). This variant was identified in an individual with a clinical history suggestive of HNF1A-MODY (MODY probability calculator result >50%); however, HNF4A was not tested, and PP4 cannot be applied (internal lab contributor). In summary, c.217G>T meets the criteria to be classified as likely pathogenic for monogenic diabetes. ACMG/AMP criteria applied, as specified by the ClinGen MDEP (specification version 2.1.0, approved 8/11/23): PVS1, PM2_Supporting.

NM_000545.8(HNF1A):c.217G>T (p.Glu73Ter)

Gene: HNF1A (HNF1 homeobox A; plus strand). Cytogenetic location: 12q24.31.
Variant type: single nucleotide variant.
Coding change: c.217G>T on transcript NM_000545.8 (MANE Select); coding-DNA position 217, G replaced by T.
Protein change: p.Glu73Ter; replaces glutamic acid 73 with a stop codon.
Molecular consequence: nonsense.
Genome position (GRCh38, 1-based): chr12:120,978,985, G>T. VCF-style: chr12-120978985-G-T. GRCh37 (hg19) VCF-style: chr12-121416788-G-T.
Other names: NM_001306179.2:c.217G>T; c.217G>T, p.Glu73Ter (NM_001306179.2); short protein forms E73*.
Identifiers: ClinVar variation 1676694 (VCV001676694.4), dbSNP rs905788991, ClinGen allele CA386953772.